The following is an entry in ClinVar:

NM_015154.3(MESD):c.643G>T (p.Asp215Tyr)

Gene: MESD (mesoderm development LRP chaperone; minus strand). Cytogenetic location: 15q25.1.
Variant type: single nucleotide variant.
Coding change: c.643G>T on transcript NM_015154.3 (MANE Select); coding-DNA position 643, G replaced by T.
Protein change: p.Asp215Tyr; replaces aspartic acid 215 with tyrosine.
Molecular consequence: missense variant. On other transcripts: non-coding transcript variant (1).
Genome position (GRCh38, 1-based): chr15:80,979,281, C>A on the plus strand (G>T on the coding strand, the complement: MESD is on the minus strand). VCF-style: chr15-80979281-C-A. GRCh37 (hg19) VCF-style: chr15-81271622-C-A.
Other names: short protein forms D215Y.
Identifiers: ClinVar variation 2066371 (VCV002066371.4), dbSNP rs1902507212, ClinGen allele CA393251556.

ClinVar aggregate classification (germline): Uncertain significance (1 of 4 stars; one submission).

Allele frequency attached by ClinVar (database versions not stated): TOPMed below 0.00001.
gnomAD v4.1: 2 of 1,613,964 alleles (0.00012%); highest among the groups gnomAD compares: Non-Finnish European, 0.000085%; no homozygotes.

Submission:

Labcorp Genetics (formerly Invitae), Labcorp
Classification: Uncertain significance. Last evaluated: 2021-12-30. Review status: criteria provided, single submitter. Criteria: Invitae Variant Classification Sherloc (09022015). Collection method: clinical testing. Allele origin: germline.
Comment: This sequence change replaces aspartic acid, which is acidic and polar, with tyrosine, which is neutral and polar, at codon 215 of the MESDC2 protein (p.Asp215Tyr). This variant is not present in population databases (gnomAD no frequency). This variant has not been reported in the literature in individuals affected with MESDC2-related conditions. Algorithms developed to predict the effect of missense changes on protein structure and function are either unavailable or do not agree on the potential impact of this missense change (SIFT: "Deleterious"; PolyPhen-2: "Possibly Damaging"; Align-GVGD: "Class C0"). In summary, the available evidence is currently insufficient to determine the role of this variant in disease. Therefore, it has been classified as a Variant of Uncertain Significance.